The following is an entry in ClinVar:

NM_001376.5(DYNC1H1):c.8194C>T (p.Pro2732Ser)

Gene: DYNC1H1 (dynein cytoplasmic 1 heavy chain 1; plus strand). Cytogenetic location: 14q32.31.
Variant type: single nucleotide variant.
Coding change: c.8194C>T on transcript NM_001376.5 (MANE Select); coding-DNA position 8194, C replaced by T.
Protein change: p.Pro2732Ser; replaces proline 2732 with serine.
Molecular consequence: missense variant.
Genome position (GRCh38, 1-based): chr14:102,018,467, C>T. VCF-style: chr14-102018467-C-T. GRCh37 (hg19) VCF-style: chr14-102484804-C-T.
Other names: short protein forms P2732S.
Identifiers: ClinVar variation 1718742 (VCV001718742.5), dbSNP rs2503777237, ClinGen allele CA391005291.
Genomic context (GRCh38, chr14:102,018,467, plus strand): 5'-GGCGCTGTCAGGGAGGGGCGCTGAGCGGGGCTATCTGTGCACAGGTTCCTGCGCCACGTG[C>T]CTGTCGTGTATGTGGATTACCCGGGCCCCGCCTCCCTCACACAGATCTACGGCACCTTCA-3'
Protein context (NP_001367.2, residues 2722-2742): PLSHRFLRHV[Pro2732Ser]VVYVDYPGPA

ClinVar aggregate classification (germline): Uncertain significance (1 of 4 stars; one submission).

Conditions:
Charcot-Marie-Tooth disease axonal type 2O. Also called: CHARCOT-MARIE-TOOTH NEUROPATHY, AXONAL, TYPE 2O; CHARCOT-MARIE-TOOTH DISEASE, AXONAL, AUTOSOMAL DOMINANT, TYPE 2O; Charcot-Marie-Tooth Neuropathy Type 2O; Charcot-Marie-Tooth disease, axonal, type 20. Identifiers: Orphanet 284232, MedGen C3280220, MONDO:0013644, OMIM 614228.

Submission:

Labcorp Genetics (formerly Invitae), Labcorp
Classification: Uncertain significance for Charcot-Marie-Tooth disease axonal type 2O. Last evaluated: 2022-09-03. Review status: criteria provided, single submitter. Criteria: Invitae Variant Classification Sherloc (09022015). Collection method: clinical testing. Allele origin: germline.
Comment: In summary, the available evidence is currently insufficient to determine the role of this variant in disease. Therefore, it has been classified as a Variant of Uncertain Significance. Algorithms developed to predict the effect of missense changes on protein structure and function (SIFT, PolyPhen-2, Align-GVGD) all suggest that this variant is likely to be disruptive. This variant has not been reported in the literature in individuals affected with DYNC1H1-related conditions. This variant is not present in population databases (gnomAD no frequency). This sequence change replaces proline, which is neutral and non-polar, with serine, which is neutral and polar, at codon 2732 of the DYNC1H1 protein (p.Pro2732Ser).